The following is an entry in ClinVar:

NM_033026.6(PCLO):c.3262A>G (p.Asn1088Asp)

Gene: PCLO (piccolo presynaptic cytomatrix protein; minus strand). Cytogenetic location: 7q21.11.
Variant type: single nucleotide variant.
Coding change: c.3262A>G on transcript NM_033026.6 (MANE Select); coding-DNA position 3262, A replaced by G.
Protein change: p.Asn1088Asp; replaces asparagine 1088 with aspartic acid.
Molecular consequence: missense variant.
Genome position (GRCh38, 1-based): chr7:83,134,288, T>C on the plus strand (A>G on the coding strand, the complement: PCLO is on the minus strand). VCF-style: chr7-83134288-T-C. GRCh37 (hg19) VCF-style: chr7-82763604-T-C.
Other names: c.3262A>G, p.Asn1088Asp (NM_014510.3); c.3262A>G (NM_033026.5); short protein forms N1088D.
Identifiers: ClinVar variation 1349306 (VCV001349306.7), dbSNP rs778215184, ClinGen allele CA4321107.
Genomic context (GRCh38, chr7:83,134,288, plus strand): 5'-TATATATATATATATAACTTACCTCAGTCAAATGTGGTGTAGGGTTAAATCCACAGAGAT[T>C]ACACACTTGATTCTTGCATTCAGTGCAAGTATTGAAGTTAGGAGGATCCTTAGAACCTAT-3'
Protein context (NP_149015.2, residues 1078-1098): TCTECKNQVC[Asn1088Asp]LCGFNPTPHL

ClinVar aggregate classification (germline): Uncertain significance. Review status: criteria provided, single submitter (1 of 4 stars). 2 submissions from 2 submitters: Uncertain significance (1). 1 of the submissions does not count toward it. Last evaluated 2025-02-17.

Conditions:
PCLO-related disorder. Also called: PCLO-related condition.

Allele frequency attached by ClinVar (database versions not stated): gnomAD 0.00002 and 0.00003; gnomAD exomes 0.00002.
gnomAD v4.1: 48 of 1,569,246 alleles (0.0031%); highest among the groups gnomAD compares: South Asian, 0.0046%; no homozygotes.

Submissions (2):

Labcorp Genetics (formerly Invitae), Labcorp
Classification: Uncertain significance. Last evaluated: 2025-02-17. Review status: criteria provided, single submitter. Criteria: Invitae Variant Classification Sherloc (09022015). Collection method: clinical testing. Allele origin: germline.
Comment: This sequence change replaces asparagine, which is neutral and polar, with aspartic acid, which is acidic and polar, at codon 1088 of the PCLO protein (p.Asn1088Asp). This variant is present in population databases (rs778215184, gnomAD 0.004%). This variant has not been reported in the literature in individuals affected with PCLO-related conditions. ClinVar contains an entry for this variant (Variation ID: 1349306). Experimental studies and prediction algorithms are not available or were not evaluated, and the functional significance of this variant is currently unknown. In summary, the available evidence is currently insufficient to determine the role of this variant in disease. Therefore, it has been classified as a Variant of Uncertain Significance.

PreventionGenetics, part of Exact Sciences
Classification: Uncertain significance for PCLO-related condition. Last evaluated: 2024-04-17. Review status: no assertion criteria provided. Collection method: clinical testing. Allele origin: germline. Not counted in ClinVar's aggregate classification.
Comment: The PCLO c.3262A>G variant is predicted to result in the amino acid substitution p.Asn1088Asp. To our knowledge, this variant has not been reported in the literature. This variant is reported in 0.0036% of alleles in individuals of European (Non-Finnish) descent in gnomAD. At this time, the clinical significance of this variant is uncertain due to the absence of conclusive functional and genetic evidence.